The following is an entry in ClinVar:

NM_003504.5(CDC45):c.204+94T>A

Gene: CDC45 (cell division cycle 45; plus strand). Cytogenetic location: 22q11.21.
Variant type: single nucleotide variant.
Coding change: c.204+94T>A on transcript NM_003504.5 (MANE Select); 94 bases into the intron after coding-DNA position 204, T replaced by A.
Molecular consequence: intron variant.
Genome position (GRCh38, 1-based): chr22:19,481,139, T>A. VCF-style: chr22-19481139-T-A. GRCh37 (hg19) VCF-style: chr22-19468662-T-A.
Other names: c.168+94T>A (NM_001369291.1); c.204+94T>A (NM_001178010.2, NM_001178011.2).
Identifiers: ClinVar variation 1707314 (VCV001707314.2), dbSNP rs13447190, ClinGen allele CA322094375.

ClinVar aggregate classification (germline): Likely benign (1 of 4 stars; one submission).

Allele frequency attached by ClinVar (database versions not stated): gnomAD exomes 0.00055; 1000 Genomes Project 0.00499; 1000 Genomes Project 30x 0.00500; gnomAD 0.00526; TOPMed 0.00582.
gnomAD v4.1: 1,158 of 784,648 alleles (0.15%); highest among the groups gnomAD compares: African/African-American, 1.8%; 19 homozygotes.

Submission:

GeneDx
Classification: Likely benign. Last evaluated: 2019-03-24. Review status: criteria provided, single submitter. Criteria: GeneDx Variant Classification Process June 2021. Collection method: clinical testing. Allele origin: germline. Affected: yes.
Comment: See Variant Classification Assertion Criteria.